The following is an entry in ClinVar:

NM_001292063.2(OTOG):c.2966C>T (p.Pro989Leu)

Gene: OTOG (otogelin; plus strand). Cytogenetic location: 11p15.1.
Variant type: single nucleotide variant.
Coding change: c.2966C>T on transcript NM_001292063.2 (MANE Select); coding-DNA position 2966, C replaced by T.
Protein change: p.Pro989Leu; replaces proline 989 with leucine.
Molecular consequence: missense variant.
Genome position (GRCh38, 1-based): chr11:17,591,548, C>T. VCF-style: chr11-17591548-C-T. GRCh37 (hg19) VCF-style: chr11-17613095-C-T.
Other names: c.3002C>T, p.Pro1001Leu (NM_001277269.2); short protein forms P1001L, P989L.
Identifiers: ClinVar variation 1314646 (VCV001314646.6), dbSNP rs192108740, ClinGen allele CA218459287.

ClinVar aggregate classification (germline): Uncertain significance. Review status: criteria provided, multiple submitters, no conflicts (2 of 4 stars). 2 submissions from 2 submitters: Uncertain significance (2). Last evaluated 2022-07-22.

Allele frequency attached by ClinVar (database versions not stated): gnomAD exomes below 0.00001; gnomAD 0.00001; 1000 Genomes Project 0.00020; 1000 Genomes Project 30x 0.00062.
gnomAD v4.1: 6 of 1,550,646 alleles (0.00039%); highest among the groups gnomAD compares: Admixed American, 0.002%; no homozygotes.

Submissions (2):

Labcorp Genetics (formerly Invitae), Labcorp
Classification: Uncertain significance. Last evaluated: 2022-07-22. Review status: criteria provided, single submitter. Criteria: Invitae Variant Classification Sherloc (09022015). Collection method: clinical testing. Allele origin: germline.
Comment: This variant is not present in population databases (gnomAD no frequency). In summary, the available evidence is currently insufficient to determine the role of this variant in disease. Therefore, it has been classified as a Variant of Uncertain Significance. Algorithms developed to predict the effect of missense changes on protein structure and function (SIFT, PolyPhen-2, Align-GVGD) all suggest that this variant is likely to be tolerated. ClinVar contains an entry for this variant (Variation ID: 1314646). This variant has not been reported in the literature in individuals affected with OTOG-related conditions. This sequence change replaces proline, which is neutral and non-polar, with leucine, which is neutral and non-polar, at codon 1001 of the OTOG protein (p.Pro1001Leu).

GeneDx
Classification: Uncertain significance. Last evaluated: 2021-04-08. Review status: criteria provided, single submitter. Criteria: GeneDx Variant Classification Process June 2021. Collection method: clinical testing. Allele origin: germline. Affected: yes.
Comment: Not observed in large population cohorts (Lek et al., 2016); In silico analysis supports that this missense variant has a deleterious effect on protein structure/function; Has not been previously published as pathogenic or benign to our knowledge